The following is an entry in ClinVar:

ClinVar aggregate classification (germline): Pathogenic. Review status: criteria provided, multiple submitters, no conflicts (2 of 4 stars). 2 submissions from 2 submitters: Pathogenic (2). Last evaluated 2023-11-20.

Conditions:
Congenital glaucoma. Identifiers: MedGen C0020302, MONDO:0020366.
Anterior segment dysgenesis 6 (ASGD6). Also called: Anterior segment dysgenesis 6, multiple subtypes. Identifiers: MedGen C4310623, MONDO:0015016, OMIM 617315.
Glaucoma 3A. Also called: Glaucoma 3, primary congenital, A. Identifiers: Orphanet 98976, Orphanet 98977, MedGen C1856439, MONDO:0009277, OMIM 231300.

Submissions (2):

Labcorp Genetics (formerly Invitae), Labcorp
Classification: Pathogenic for Congenital glaucoma. Last evaluated: 2023-11-20. Review status: criteria provided, single submitter. Criteria: Invitae Variant Classification Sherloc (09022015). Collection method: clinical testing. Allele origin: germline.
Comment: This sequence change creates a premature translational stop signal (p.Ser73Valfs*150) in the CYP1B1 gene. It is expected to result in an absent or disrupted protein product. Loss-of-function variants in CYP1B1 are known to be pathogenic (PMID: 9097971, 9497261, 19234632). This variant is present in population databases (no rsID available, gnomAD 0.01%). This premature translational stop signal has been observed in individual(s) with clinical features of primary congenital glaucoma (PMID: 24227805, 31367175). This variant is also known as g.4022delTC. For these reasons, this variant has been classified as Pathogenic.

Juno Genomics, Hangzhou Juno Genomics, Inc
Classification: Pathogenic for Anterior segment dysgenesis 6; Glaucoma 3A. Review status: criteria provided, single submitter. Criteria: ACMG Guidelines, 2015. Collection method: clinical testing. Allele origin: germline.
Comment: Absent from controls (or at extremely low frequency if recessive) in Genome Aggregation Database.;Null variant in a gene where loss of function (LOF) is a known mechanism of disease.;For recessive disorders, detected in trans with a pathogenic variant.;Co-segregation with disease in multiple affected family members.

Literature cited by the submitters: PubMed 9097971 (cited by Labcorp Genetics (formerly Invitae), Labcorp); PubMed 9497261 (cited by Labcorp Genetics (formerly Invitae), Labcorp); PubMed 19234632 (cited by Labcorp Genetics (formerly Invitae), Labcorp); PubMed 24227805 (cited by Labcorp Genetics (formerly Invitae), Labcorp); PubMed 31367175 (cited by Labcorp Genetics (formerly Invitae), Labcorp).

NM_000104.4(CYP1B1):c.217_218del (p.Ser73fs)

Gene: CYP1B1 (cytochrome P450 family 1 subfamily B member 1; minus strand). Cytogenetic location: 2p22.2.
Variant type: Microsatellite.
Coding change: c.217_218del on transcript NM_000104.4 (MANE Select); coding-DNA positions 217 to 218, 2 bases deleted (TC; older notation c.217_218delTC).
Protein change: p.Ser73fs; shifts the reading frame from serine 73.
Molecular consequence: frameshift variant.
Genome position (GRCh38, 1-based): chr2:38,075,171-38,075,172, GA deleted on the plus strand (TC on the coding strand, the reverse complement: CYP1B1 is on the minus strand); deleting any 2 consecutive bases within chr2:38,075,171-38,075,175 gives the same sequence; the c. name uses the placement nearest the transcript's 3' end. VCF-style (leftmost placement, unchanged base first): chr2-38075170-CGA-C. GRCh37 (hg19) VCF-style: chr2-38302313-CGA-C.
Other names: short protein forms S73fs.
Identifiers: ClinVar variation 2203050 (VCV002203050.6), dbSNP rs1373671407, ClinGen allele CA532236934.